The following is an entry in ClinVar:

ClinVar aggregate classification (germline): Uncertain significance (1 of 4 stars; one submission).

Allele frequency attached by ClinVar (database versions not stated): gnomAD 0.00001; gnomAD exomes 0.00003; TOPMed 0.00003.
gnomAD v4.1: 38 of 1,482,980 alleles (0.0026%); highest among the groups gnomAD compares: Non-Finnish European, 0.0033%; no homozygotes.

Submission:

Labcorp Genetics (formerly Invitae), Labcorp
Classification: Uncertain significance. Last evaluated: 2023-09-06. Review status: criteria provided, single submitter. Criteria: Invitae Variant Classification Sherloc (09022015). Collection method: clinical testing. Allele origin: germline.
Comment: In summary, the available evidence is currently insufficient to determine the role of this variant in disease. Therefore, it has been classified as a Variant of Uncertain Significance. An algorithm developed to predict the effect of missense changes on protein structure and function (PolyPhen-2) suggests that this variant is likely to be disruptive. This variant has not been reported in the literature in individuals affected with TNS2-related conditions. The frequency data for this variant in the population databases is considered unreliable, as metrics indicate poor data quality at this position in the gnomAD database. This sequence change replaces arginine, which is basic and polar, with cysteine, which is neutral and slightly polar, at codon 605 of the TNS2 protein (p.Arg605Cys).

NM_170754.4(TNS2):c.1783C>T (p.Arg595Cys)

Gene: TNS2 (tensin 2; plus strand). Cytogenetic location: 12q13.13.
Variant type: single nucleotide variant.
Coding change: c.1783C>T on transcript NM_170754.4 (MANE Select); coding-DNA position 1783, C replaced by T.
Protein change: p.Arg595Cys; replaces arginine 595 with cysteine.
Molecular consequence: missense variant.
Genome position (GRCh38, 1-based): chr12:53,059,424, C>T. VCF-style: chr12-53059424-C-T. GRCh37 (hg19) VCF-style: chr12-53453208-C-T.
Other names: c.1783C>T, p.Arg595Cys (NM_001416202.1); c.1741C>T, p.Arg581Cys (NM_001416203.1); c.1810C>T, p.Arg604Cys (NM_001416204.1); c.1714C>T, p.Arg572Cys (NM_015319.3); c.1411C>T, p.Arg471Cys (NM_198316.2); short protein forms R471C, R595C, R572C, R581C, R604C.
Identifiers: ClinVar variation 2868721 (VCV002868721.3), dbSNP rs749151205, ClinGen allele CA237296941.